The following is an entry in ClinVar:

NM_000540.3(RYR1):c.10348-3C>T

Gene: RYR1 (ryanodine receptor 1; plus strand). Cytogenetic location: 19q13.2.
Variant type: single nucleotide variant.
Coding change: c.10348-3C>T on transcript NM_000540.3 (MANE Select); 3 bases into the intron before coding-DNA position 10348, C replaced by T.
Molecular consequence: intron variant.
Genome position (GRCh38, 1-based): chr19:38,523,214, C>T. VCF-style: chr19-38523214-C-T. GRCh37 (hg19) VCF-style: chr19-39013854-C-T.
Other names: c.10348-3C>T (NM_001042723.2).
Identifiers: ClinVar variation 1497598 (VCV001497598.6), dbSNP rs1971302236, ClinGen allele CA2335064802.

ClinVar aggregate classification (germline): Uncertain significance (1 of 4 stars; one submission).

Conditions:
RYR1-related disorder. Also called: RYR1-related condition; RYR1-related disorders. Identifiers: MedGen CN239331.

Submission:

Labcorp Genetics (formerly Invitae), Labcorp
Classification: Uncertain significance for RYR1-related disorder. Last evaluated: 2024-01-17. Review status: criteria provided, single submitter. Criteria: Invitae Variant Classification Sherloc (09022015). Collection method: clinical testing. Allele origin: germline.
Comment: This sequence change falls in intron 68 of the RYR1 gene. It does not directly change the encoded amino acid sequence of the RYR1 protein. It affects a nucleotide within the consensus splice site. This variant is not present in population databases (gnomAD no frequency). This variant has not been reported in the literature in individuals affected with RYR1-related conditions. ClinVar contains an entry for this variant (Variation ID: 1497598). Variants that disrupt the consensus splice site are a relatively common cause of aberrant splicing (PMID: 17576681, 9536098). Algorithms developed to predict the effect of sequence changes on RNA splicing suggest that this variant is not likely to affect RNA splicing. In summary, the available evidence is currently insufficient to determine the role of this variant in disease. Therefore, it has been classified as a Variant of Uncertain Significance.

Literature cited by the submitters: PubMed 17576681; PubMed 9536098.